The following is an entry in ClinVar:

NM_032119.4(ADGRV1):c.5944dup (p.Ser1982fs)

Gene: ADGRV1 (adhesion G protein-coupled receptor V1; plus strand). Cytogenetic location: 5q14.3.
Variant type: Duplication.
Coding change: c.5944dup on transcript NM_032119.4 (MANE Select); coding-DNA position 5944, one base duplicated (T; older notation c.5944dupT).
Protein change: p.Ser1982fs; shifts the reading frame from serine 1982.
Molecular consequence: frameshift variant. On other transcripts: non-coding transcript variant (1).
Genome position (GRCh38, 1-based): chr5:90,683,865, T duplicated; the last of 6 consecutive T bases (chr5:90,683,860-90,683,865); duplicating any one gives the same sequence. VCF-style (leftmost placement, unchanged base first): chr5-90683859-A-AT. GRCh37 (hg19) VCF-style: chr5-89979676-A-AT.
Other names: short protein forms S1982fs.
Identifiers: ClinVar variation 1354042 (VCV001354042.10), dbSNP rs1554081619, ClinGen allele CA445466835.

ClinVar aggregate classification (germline): Pathogenic/Likely pathogenic. Review status: criteria provided, multiple submitters, no conflicts (2 of 4 stars). 3 submissions from 3 submitters: Pathogenic (1); Likely pathogenic (2). Last evaluated 2023-08-16.

Conditions:
Usher syndrome. Also called: Usher Syndromes; Usher's syndrome. Identifiers: Orphanet 886, MedGen CN469326, MeSH D052245, MONDO:0019501. Disease mechanism: loss of function.
ADGRV1-related disorder. Also called: ADGRV1-related disorders; ADGRV1-related condition.

Submissions (3):

Labcorp Genetics (formerly Invitae), Labcorp
Classification: Pathogenic. Last evaluated: 2023-08-16. Review status: criteria provided, single submitter. Criteria: Invitae Variant Classification Sherloc (09022015). Collection method: clinical testing. Allele origin: germline.
Comment: This sequence change creates a premature translational stop signal (p.Ser1982Phefs*2) in the ADGRV1 gene. It is expected to result in an absent or disrupted protein product. Loss-of-function variants in ADGRV1 are known to be pathogenic (PMID: 19357117, 22135276, 22147658, 26226137, 30718709, 31047384, 32467589). For these reasons, this variant has been classified as Pathogenic. ClinVar contains an entry for this variant (Variation ID: 1354042). This premature translational stop signal has been observed in individual(s) with Usher syndrome (PMID: 30459346). This variant is not present in population databases (gnomAD no frequency).

Women's Health and Genetics/Laboratory Corporation of America, LabCorp
Classification: Likely pathogenic for Usher syndrome. Last evaluated: 2022-05-21. Review status: criteria provided, single submitter. Criteria: LabCorp Variant Classification Summary - May 2015. Collection method: clinical testing. Allele origin: germline.
Comment: Variant summary: ADGRV1 c.5944dupT (p.Ser1982PhefsX2) results in a premature termination codon, predicted to cause a truncation of the encoded protein or absence of the protein due to nonsense mediated decay, which are commonly known mechanisms for disease. The variant was absent in 247726 control chromosomes. c.5944dupT has been reported in the literature as a compound heterozygous genotype in at-least one individual affected with Usher Syndrome (example, Fuster-Garcia_2018). To our knowledge, no experimental evidence demonstrating an impact on protein function has been reported. One clinical diagnostic laboratory has submitted clinical-significance assessments for this variant to ClinVar after 2014 without evidence for independent evaluation and classified the variant as pathogenic. Based on the evidence outlined above, the variant was classified as likely pathogenic.

Blueprint Genetics
Classification: Likely pathogenic for ADGRV1-related disorders. Last evaluated: 2019-12-24. Review status: criteria provided, single submitter. Criteria: ACMG Guidelines, 2015. Collection method: clinical testing. Allele origin: germline. Affected: yes. Observed: 1 variant allele.

Literature cited by the submitters: PubMed 19357117 (cited by Labcorp Genetics (formerly Invitae), Labcorp); PubMed 22135276 (cited by Labcorp Genetics (formerly Invitae), Labcorp); PubMed 22147658 (cited by Labcorp Genetics (formerly Invitae), Labcorp); PubMed 26226137 (cited by Labcorp Genetics (formerly Invitae), Labcorp); PubMed 30718709 (cited by Labcorp Genetics (formerly Invitae), Labcorp); PubMed 31047384 (cited by Labcorp Genetics (formerly Invitae), Labcorp); PubMed 32467589 (cited by Labcorp Genetics (formerly Invitae), Labcorp); PubMed 30459346 (cited by Labcorp Genetics (formerly Invitae), Labcorp and Women's Health and Genetics/Laboratory Corporation of America, LabCorp); PubMed 31736247 (cited by Women's Health and Genetics/Laboratory Corporation of America, LabCorp).